The following is an entry in ClinVar:

NM_001282225.2(ADA2):c.667G>C (p.Val223Leu)

Gene: ADA2 (adenosine deaminase 2; minus strand). Cytogenetic location: 22q11.1.
Variant type: single nucleotide variant.
Coding change: c.667G>C on transcript NM_001282225.2 (MANE Select); coding-DNA position 667, G replaced by C.
Protein change: p.Val223Leu; replaces valine 223 with leucine.
Molecular consequence: missense variant.
Genome position (GRCh38, 1-based): chr22:17,203,649, C>G on the plus strand (G>C on the coding strand, the complement: ADA2 is on the minus strand). VCF-style: chr22-17203649-C-G. GRCh37 (hg19) VCF-style: chr22-17684539-C-G.
Other names: c.667G>C, p.Val223Leu (NM_001282226.2); c.541G>C, p.Val181Leu (NM_001282227.2, NM_001282228.2); c.307G>C, p.Val103Leu (NM_001282229.2); short protein forms V181L, V223L, V103L.
Identifiers: ClinVar variation 1480252 (VCV001480252.8), dbSNP rs761537217, ClinGen allele CA410228250.

ClinVar aggregate classification (germline): Uncertain significance (1 of 4 stars; one submission).

Conditions:
Deficiency of adenosine deaminase 2. Also called: Polyarteritis nodosa, childhoood-onset; VASCULITIS, AUTOINFLAMMATION, IMMUNODEFICIENCY, AND HEMATOLOGIC DEFECTS SYNDROME; Adenosine Deaminase 2 Deficiency. Identifiers: Orphanet 404553, MedGen C3887654, MONDO:0014306, OMIM 615688, MONDO:0100317.

Submission:

Labcorp Genetics (formerly Invitae), Labcorp
Classification: Uncertain significance for Deficiency of adenosine deaminase 2. Last evaluated: 2022-10-04. Review status: criteria provided, single submitter. Criteria: Invitae Variant Classification Sherloc (09022015). Collection method: clinical testing. Allele origin: germline.
Comment: In summary, the available evidence is currently insufficient to determine the role of this variant in disease. Therefore, it has been classified as a Variant of Uncertain Significance. Algorithms developed to predict the effect of sequence changes on RNA splicing suggest that this variant may disrupt the consensus splice site. Advanced modeling of protein sequence and biophysical properties (such as structural, functional, and spatial information, amino acid conservation, physicochemical variation, residue mobility, and thermodynamic stability) has been performed at Invitae for this missense variant, however the output from this modeling did not meet the statistical confidence thresholds required to predict the impact of this variant on ADA2 protein function. ClinVar contains an entry for this variant (Variation ID: 1480252). This variant has not been reported in the literature in individuals affected with ADA2-related conditions. This variant is not present in population databases (gnomAD no frequency). This sequence change replaces valine, which is neutral and non-polar, with leucine, which is neutral and non-polar, at codon 223 of the ADA2 protein (p.Val223Leu).